The following is an entry in ClinVar:

ClinVar aggregate classification (germline): Uncertain significance. Review status: criteria provided, multiple submitters, no conflicts (2 of 4 stars). 2 submissions from 2 submitters: Uncertain significance (2). Last evaluated 2025-03-09.

Conditions:
Hereditary cancer-predisposing syndrome. Also called: Tumor predisposition; Hereditary neoplastic syndrome; Neoplastic Syndromes, Hereditary; Hereditary Cancer Syndrome. Identifiers: Orphanet 140162, MedGen C0027672, MeSH D009386, MONDO:0015356.
Bloom syndrome (BLM). Also called: Bloom-Torre-Machacek syndrome. Identifiers: Orphanet 125, MedGen C0005859, MONDO:0008876, OMIM 210900.

Allele frequency attached by ClinVar (database versions not stated): gnomAD exomes below 0.00001 and 0.00001; ExAC 0.00001.
gnomAD v4.1: 3 of 1,614,184 alleles (0.00019%); highest among the groups gnomAD compares: African/African-American, 0.0027%; no homozygotes.

Submissions (2):

Labcorp Genetics (formerly Invitae), Labcorp
Classification: Uncertain significance for Bloom syndrome. Last evaluated: 2025-03-09. Review status: criteria provided, single submitter. Criteria: Invitae Variant Classification Sherloc (09022015). Collection method: clinical testing. Allele origin: germline.
Comment: This sequence change replaces methionine, which is neutral and non-polar, with valine, which is neutral and non-polar, at codon 816 of the BLM protein (p.Met816Val). This variant is present in population databases (rs751100504, gnomAD 0.006%). This variant has not been reported in the literature in individuals affected with BLM-related conditions. ClinVar contains an entry for this variant (Variation ID: 1497965). Invitae Evidence Modeling of protein sequence and biophysical properties (such as structural, functional, and spatial information, amino acid conservation, physicochemical variation, residue mobility, and thermodynamic stability) indicates that this missense variant is not expected to disrupt BLM protein function with a negative predictive value of 80%. In summary, the available evidence is currently insufficient to determine the role of this variant in disease. Therefore, it has been classified as a Variant of Uncertain Significance.

Ambry Genetics
Classification: Uncertain significance for Hereditary cancer-predisposing syndrome. Last evaluated: 2025-03-07. Review status: criteria provided, single submitter. Criteria: Ambry Variant Classification Scheme 2023. Collection method: clinical testing. Allele origin: germline.
Comment: The p.M816V variant (also known as c.2446A>G), located in coding exon 11 of the BLM gene, results from an A to G substitution at nucleotide position 2446. The methionine at codon 816 is replaced by valine, an amino acid with highly similar properties. This amino acid position is conserved. In addition, this alteration is predicted to be tolerated by in silico analysis. Since supporting evidence is limited at this time, the clinical significance of this alteration remains unclear.

NM_000057.4(BLM):c.2446A>G (p.Met816Val)

Gene: BLM (BLM RecQ like helicase; plus strand). Cytogenetic location: 15q26.1.
Variant type: single nucleotide variant.
Coding change: c.2446A>G on transcript NM_000057.4 (MANE Select); coding-DNA position 2446, A replaced by G.
Protein change: p.Met816Val; replaces methionine 816 with valine.
Molecular consequence: missense variant.
Genome position (GRCh38, 1-based): chr15:90,769,477, A>G. VCF-style: chr15-90769477-A-G. GRCh37 (hg19) VCF-style: chr15-91312707-A-G.
Other names: c.2446A>G, p.Met816Val (NM_001287246.2, NM_001287247.2); c.1321A>G, p.Met441Val (NM_001287248.2); short protein forms M441V, M816V.
Identifiers: ClinVar variation 1497965 (VCV001497965.12), dbSNP rs751100504, ClinGen allele CA7738778.